The following is an entry in ClinVar:

NM_001267550.2(TTN):c.3101-2A>C

Gene: TTN (titin; minus strand). Cytogenetic location: 2q31.2.
Variant type: single nucleotide variant.
Coding change: c.3101-2A>C on transcript NM_001267550.2 (MANE Select); the canonical splice acceptor site of the intron before coding-DNA position 3101, A replaced by C.
Molecular consequence: splice acceptor variant.
Genome position (GRCh38, 1-based): chr2:178,782,604, T>G on the plus strand (A>C on the coding strand, the complement: TTN is on the minus strand). VCF-style: chr2-178782604-T-G. GRCh37 (hg19) VCF-style: chr2-179647331-T-G.
Other names: c.2963-2A>C (NM_003319.4, NM_133437.4, NM_133432.3); c.3101-2A>C (NM_133378.4, NM_001256850.1, NM_133379.5).
Identifiers: ClinVar variation 2662968 (VCV002662968.1), dbSNP rs1060500467, ClinGen allele CA349489215.

ClinVar aggregate classification (germline): Uncertain significance (1 of 4 stars; one submission).

Submission:

GeneDx
Classification: Uncertain significance. Last evaluated: 2023-04-27. Review status: criteria provided, single submitter. Criteria: GeneDx Variant Classification Process June 2021. Collection method: clinical testing. Allele origin: germline. Affected: yes.
Comment: Canonical splice site variant in a gene or region of a gene for which loss of function is not a well-established mechanism of disease; Not observed at significant frequency in large population cohorts (gnomAD); Has not been previously published as pathogenic or benign to our knowledge